The following is an entry in ClinVar:

NM_024589.3(ROGDI):c.313G>A (p.Asp105Asn)

Gene: ROGDI (rogdi atypical leucine zipper; minus strand). Cytogenetic location: 16p13.3.
Variant type: single nucleotide variant.
Coding change: c.313G>A on transcript NM_024589.3 (MANE Select); coding-DNA position 313, G replaced by A.
Protein change: p.Asp105Asn; replaces aspartic acid 105 with asparagine.
Molecular consequence: missense variant. On other transcripts: non-coding transcript variant (1).
Genome position (GRCh38, 1-based): chr16:4,800,521, C>T on the plus strand (G>A on the coding strand, the complement: ROGDI is on the minus strand). VCF-style: chr16-4800521-C-T. GRCh37 (hg19) VCF-style: chr16-4850522-C-T.
Other names: short protein forms D105N.
Identifiers: ClinVar variation 951001 (VCV000951001.7), dbSNP rs368831986, ClinGen allele CA277138685.

ClinVar aggregate classification (germline): Uncertain significance (1 of 4 stars; one submission).

Conditions:
Amelocerebrohypohidrotic syndrome (KTZS). Also called: EPILEPSY AND YELLOW TEETH; EPILEPSY, DEMENTIA, AND AMELOGENESIS IMPERFECTA; KOHLSCHUTTER SYNDROME; Kohlschutter's syndrome. Identifiers: Orphanet 1946, MedGen C0406740, MONDO:0009185, OMIM 226750.

Allele frequency attached by ClinVar (database versions not stated): gnomAD 0.00001; gnomAD exomes 0.00001; TOPMed 0.00001; ESP Exome Variant Server 0.00008.

Submission:

Labcorp Genetics (formerly Invitae), Labcorp
Classification: Uncertain significance for Amelocerebrohypohidrotic syndrome. Last evaluated: 2021-08-27. Review status: criteria provided, single submitter. Criteria: Invitae Variant Classification Sherloc (09022015). Collection method: clinical testing. Allele origin: germline.
Comment: This sequence change replaces aspartic acid with asparagine at codon 105 of the ROGDI protein (p.Asp105Asn). The aspartic acid residue is highly conserved and there is a small physicochemical difference between aspartic acid and asparagine. This variant is not present in population databases (ExAC no frequency). This variant has not been reported in the literature in individuals affected with ROGDI-related conditions. Algorithms developed to predict the effect of missense changes on protein structure and function are either unavailable or do not agree on the potential impact of this missense change (SIFT: "Deleterious"; PolyPhen-2: "Probably Damaging"; Align-GVGD: "Class C15"). In summary, the available evidence is currently insufficient to determine the role of this variant in disease. Therefore, it has been classified as a Variant of Uncertain Significance.